The following is an entry in ClinVar:

ClinVar aggregate classification (germline): Uncertain significance (1 of 4 stars; one submission).

Conditions:
Familial temporal lobe epilepsy 8. Identifiers: Orphanet 101046, MedGen C4225318, MONDO:0014650, OMIM 616461.

gnomAD v4.1: 2 of 1,593,988 alleles (0.00013%); highest among the groups gnomAD compares: Admixed American, 0.0033%; no homozygotes.

Submission:

Labcorp Genetics (formerly Invitae), Labcorp
Classification: Uncertain significance for Familial temporal lobe epilepsy 8. Last evaluated: 2020-03-30. Review status: criteria provided, single submitter. Criteria: Invitae Variant Classification Sherloc (09022015). Collection method: clinical testing. Allele origin: germline.
Comment: In summary, the available evidence is currently insufficient to determine the role of this variant in disease. Therefore, it has been classified as a Variant of Uncertain Significance. Nucleotide substitutions within the consensus splice site are a relatively common cause of aberrant splicing (PMID: 17576681, 9536098). Algorithms developed to predict the effect of sequence changes on RNA splicing suggest that this variant may disrupt the consensus splice site, but this prediction has not been confirmed by published transcriptional studies. This variant has not been reported in the literature in individuals with GAL-related conditions. This variant is present in population databases (rs202155593, ExAC 0.009%). This sequence change falls in intron 4 of the GAL gene. It does not directly change the encoded amino acid sequence of the GAL protein, but it affects a nucleotide within the consensus splice site of the intron.

Literature cited by the submitters: PubMed 17576681; PubMed 9536098.

NM_015973.5(GAL):c.223+3G>C

Gene: GAL (galanin and GMAP prepropeptide; plus strand). Cytogenetic location: 11q13.2.
Variant type: single nucleotide variant.
Coding change: c.223+3G>C on transcript NM_015973.5 (MANE Select); 3 bases into the intron after coding-DNA position 223, G replaced by C.
Molecular consequence: intron variant.
Genome position (GRCh38, 1-based): chr11:68,688,103, G>C. VCF-style: chr11-68688103-G-C. GRCh37 (hg19) VCF-style: chr11-68455571-G-C.
Identifiers: ClinVar variation 1027299 (VCV001027299.6), dbSNP rs202155593, ClinGen allele CA6151489.